The following is an entry in ClinVar:

ClinVar aggregate classification (germline): Uncertain significance (1 of 4 stars; one submission).

Conditions:
Agammaglobulinemia 2, autosomal recessive (AGM2). Also called: AGAMMAGLOBULINEMIA, AUTOSOMAL RECESSIVE, DUE TO IGLL1 DEFECT. Identifiers: MedGen C3150750, MONDO:0013287, OMIM 613500.

gnomAD v4.1: 1 of 1,542,686 alleles (0.000065%); highest among the groups gnomAD compares: Non-Finnish European, 0.000087%; no homozygotes.

Submission:

Labcorp Genetics (formerly Invitae), Labcorp
Classification: Uncertain significance for Agammaglobulinemia 2, autosomal recessive. Last evaluated: 2019-10-02. Review status: criteria provided, single submitter. Criteria: Invitae Variant Classification Sherloc (09022015). Collection method: clinical testing. Allele origin: germline.
Comment: In summary, the available evidence is currently insufficient to determine the role of this variant in disease. Therefore, it has been classified as a Variant of Uncertain Significance. This sequence change replaces glycine with valine at codon 6 of the IGLL1 protein (p.Gly6Val). The glycine residue is weakly conserved and there is a moderate physicochemical difference between glycine and valine. The frequency data for this variant in the population databases is considered unreliable, as metrics indicate insufficient coverage at this position in the ExAC database. This variant has not been reported in the literature in individuals with IGLL1-related conditions. Algorithms developed to predict the effect of missense changes on protein structure and function are either unavailable or do not agree on the potential impact of this missense change (SIFT: "Tolerated"; PolyPhen-2: "Probably Damaging"; Align-GVGD: "Class C0").

NM_020070.4(IGLL1):c.17G>T (p.Gly6Val)

Gene: IGLL1 (immunoglobulin lambda like polypeptide 1; minus strand). Cytogenetic location: 22q11.23.
Variant type: single nucleotide variant.
Coding change: c.17G>T on transcript NM_020070.4 (MANE Select); coding-DNA position 17, G replaced by T.
Protein change: p.Gly6Val; replaces glycine 6 with valine.
Molecular consequence: missense variant.
Genome position (GRCh38, 1-based): chr22:23,580,174, C>A on the plus strand (G>T on the coding strand, the complement: IGLL1 is on the minus strand). VCF-style: chr22-23580174-C-A. GRCh37 (hg19) VCF-style: chr22-23922361-C-A.
Other names: c.17G>T, p.Gly6Val (NM_001369906.1, NM_152855.3); short protein forms G6V.
Identifiers: ClinVar variation 965546 (VCV000965546.9), dbSNP rs1460659708, ClinGen allele CA410899652.